The following is an entry in ClinVar:

NM_004369.4(COL6A3):c.3187G>A (p.Asp1063Asn)

Gene: COL6A3 (collagen type VI alpha 3 chain; minus strand). Cytogenetic location: 2q37.3.
Variant type: single nucleotide variant.
Coding change: c.3187G>A on transcript NM_004369.4 (MANE Select); coding-DNA position 3187, G replaced by A.
Protein change: p.Asp1063Asn; replaces aspartic acid 1063 with asparagine.
Molecular consequence: missense variant.
Genome position (GRCh38, 1-based): chr2:237,374,904, C>T on the plus strand (G>A on the coding strand, the complement: COL6A3 is on the minus strand). VCF-style: chr2-237374904-C-T. GRCh37 (hg19) VCF-style: chr2-238283547-C-T.
Other names: c.1966G>A, p.Asp656Asn (NM_057164.5); c.2569G>A, p.Asp857Asn (NM_057165.5, NM_057167.4); c.1366G>A, p.Asp456Asn (NM_057166.5); short protein forms D1063N, D656N, D456N, D857N.
Identifiers: ClinVar variation 499309 (VCV000499309.14), dbSNP rs760543147, ClinGen allele CA2189224.
Genomic context (GRCh38, chr2:237,374,904, plus strand): 5'-TCAGGTAGAACTCGGGCCTGGTCCGGTCGCTGTACTGCACCACGGCCACGCGGACCCGGT[C>T]CTGGCCCACATCCAGGCTTTCCACCACTCTCTGGACAAACTCTTTCAACAGAGGGAAGCC-3'
Protein context (NP_004360.2, residues 1053-1073): RVVESLDVGQ[Asp1063Asn]RVRVAVVQYS

ClinVar aggregate classification (germline): Conflicting classifications of pathogenicity. Review status: criteria provided, conflicting classifications (1 of 4 stars). 4 submissions from 4 submitters: Uncertain significance (3); Likely benign (1). Last evaluated 2023-09-26.

Conditions:
Bethlem myopathy 1A. Also called: MYOPATHY, BENIGN CONGENITAL, WITH CONTRACTURES; Bethlem myopathy 1; Bethlem Muscular Dystrophy. Identifiers: Orphanet 610, MedGen CN029274, MONDO:0024530, OMIM 158810.

Allele frequency attached by ClinVar (database versions not stated): gnomAD exomes 0.00001; ExAC 0.00002; gnomAD 0.00002; TOPMed 0.00003.
gnomAD v4.1: 11 of 1,613,800 alleles (0.00068%); highest among the groups gnomAD compares: Middle Eastern, 0.016%; no homozygotes.

Submissions (4):

Revvity Omics, Revvity
Classification: Uncertain significance. Last evaluated: 2023-09-26. Review status: criteria provided, single submitter. Criteria: ACMG Guidelines, 2015. Collection method: clinical testing. Allele origin: germline.

Labcorp Genetics (formerly Invitae), Labcorp
Classification: Likely benign for Bethlem myopathy 1A. Last evaluated: 2023-09-19. Review status: criteria provided, single submitter. Criteria: Invitae Variant Classification Sherloc (09022015). Collection method: clinical testing. Allele origin: germline.

GeneDx
Classification: Uncertain significance. Last evaluated: 2023-05-15. Review status: criteria provided, single submitter. Criteria: GeneDx Variant Classification Process June 2021. Collection method: clinical testing. Allele origin: germline. Affected: yes.
Comment: Not observed at significant frequency in large population cohorts (gnomAD); In silico analysis supports that this missense variant does not alter protein structure/function; Reported as a variant of uncertain significance in an individual with suspected limb-girdle muscular dystrophy who also harbored a second COL6A3 variant, phase unknown (Nallamilli et al., 2018); This variant is associated with the following publications: (PMID: 24951259, 35844287, 30564623)

Eurofins Ntd Llc (ga)
Classification: Uncertain significance. Last evaluated: 2016-12-29. Review status: criteria provided, single submitter. Criteria: EGL Classification Definitions 2015. Collection method: clinical testing. Allele origin: germline. Observed: 1 variant allele, 1 heterozygote.